The following is an entry in ClinVar:

NM_001127222.2(CACNA1A):c.4151T>G (p.Met1384Arg)

Genes: CACNA1A (calcium voltage-gated channel subunit alpha1 A; minus strand), LOC126862864 (MED14-independent group 3 enhancer GRCh37_chr19:13371552-13372751; plus strand). Cytogenetic location: 19p13.13.
Variant type: single nucleotide variant.
Coding change: c.4151T>G on transcript NM_001127222.2 (MANE Select); coding-DNA position 4151, T replaced by G.
Protein change: p.Met1384Arg; replaces methionine 1384 with arginine.
Molecular consequence: missense variant.
Genome position (GRCh38, 1-based): chr19:13,261,549, A>C on the plus strand (T>G on the coding strand, the complement: CACNA1A is on the minus strand). VCF-style: chr19-13261549-A-C. GRCh37 (hg19) VCF-style: chr19-13372363-A-C.
Other names: c.4163T>G, p.Met1388Arg (NM_000068.4, NM_023035.3); c.4154T>G, p.Met1385Arg (NM_001127221.2, NM_001174080.2); short protein forms M1384R, M1385R, M1388R.
Identifiers: ClinVar variation 4855041 (VCV004855041.1).

ClinVar aggregate classification (germline): Uncertain significance (1 of 4 stars; one submission).

Conditions:
Episodic ataxia type 2 (EA2). Also called: ACETAZOLAMIDE-RESPONSIVE HEREDITARY PAROXYSMAL CEREBELLAR ATAXIA; CEREBELLAR ATAXIA, PAROXYSMAL, ACETAZOLAMIDE-RESPONSIVE; CEREBELLOPATHY, HEREDITARY PAROXYSMAL; EPISODIC ATAXIA, NYSTAGMUS-ASSOCIATED; ATAXIA, EPISODIC, WITH NYSTAGMUS; ATAXIA, FAMILIAL PAROXYSMAL. Identifiers: Orphanet 97, MedGen C1720416, MONDO:0007163, OMIM 108500.

Submission:

3billion
Classification: Uncertain significance for Episodic ataxia type 2. Last evaluated: 2025-11-04. Review status: criteria provided, single submitter. Criteria: ACMG Guidelines, 2015. Collection method: clinical testing. Allele origin: germline. Affected: yes.
Comment: The variant is not observed in the gnomAD v4.1.0 dataset. Predicted Consequence/Location: Missense variant In silico tool predictions suggest damaging effect of the variant on gene or gene product [REVEL: 0.90 (>=0.6, sensitivity 0.68 and specificity 0.92); 3Cnet: 0.94 (> 0.75, sensitivity 0.96 and precision 0.92)]. Different missense changes at the same codon have been reported as of uncertain significance (ClinVar ID: VCV001878867, VCV002443646). Therefore, this variant is classified as VUS according to the recommendation of ACMG/AMP guideline.